The following is an entry in ClinVar:

NM_001165963.4(SCN1A):c.276del (p.Val92_Leu93insTer)

Gene: SCN1A (sodium voltage-gated channel alpha subunit 1; minus strand). Cytogenetic location: 2q24.3.
Variant type: Deletion.
Coding change: c.276del on transcript NM_001165963.4 (MANE Select); coding-DNA position 276, one base deleted (A; older notation c.276delA).
Protein change: p.Val92_Leu93insTer.
Molecular consequence: frameshift variant. On other transcripts: 5 prime UTR variant (1), non-coding transcript variant (1).
Genome position (GRCh38, 1-based): chr2:166,058,677, T deleted on the plus strand (A on the coding strand, the reverse complement: SCN1A is on the minus strand). VCF-style (leftmost placement, unchanged base first): chr2-166058676-AT-A. GRCh37 (hg19) VCF-style: chr2-166915186-AT-A.
Other names: c.276del, p.Val92_Leu93insTer (NM_001165964.3, NM_001202435.3, NM_001353948.2 and 10 more transcripts); c.-2150del (NM_001353961.2).
Identifiers: ClinVar variation 4292844 (VCV004292844.1).

ClinVar aggregate classification (germline): Likely pathogenic (1 of 4 stars; one submission).

Conditions:
SCN1A-related disorder. Also called: SCN1A-related conditions; SCN1A-related condition; SCN1A-related disorders.

Submission:

3billion
Classification: Likely pathogenic for SCN1A-related disorder. Last evaluated: 2024-12-24. Review status: criteria provided, single submitter. Criteria: ACMG Guidelines, 2015. Collection method: clinical testing. Allele origin: germline. Affected: yes.
Comment: The variant is not observed in the gnomAD v4.1.0 dataset. Predicted Consequence/Location: Stop-gained (nonsense): predicted to result in a loss or disruption of normal protein function through nonsense-mediated decay (NMD) or protein truncation. Multiple pathogenic variants are reported downstream of the variant. Therefore, this variant is classified as Likely pathogenic according to the recommendation of ACMG/AMP guideline.